The following is an entry in ClinVar:

ClinVar aggregate classification (germline): Conflicting classifications of pathogenicity. Review status: criteria provided, conflicting classifications (1 of 4 stars). 3 submissions from 3 submitters: Likely pathogenic (2); Uncertain significance (1). Last evaluated 2025-03-04.

Conditions:
Intellectual developmental disorder, autosomal dominant 6, with or without seizures. Also called: GRIN2B-related developmental delay, intellectual disability and autism spectrum disorder; Intellectual disability, autosomal dominant 6. Identifiers: Orphanet 589547, MedGen C3151411, MONDO:0013509, OMIM 613970.
Developmental and epileptic encephalopathy, 27 (DEE27). Also called: GRIN2B-Related Neurodevelopmental Disorder; Epileptic encephalopathy, early infantile, 27. Identifiers: Orphanet 3451, MedGen C4015316, MONDO:0014505, OMIM 616139.
Neurodevelopmental disorder. Identifiers: MedGen C1535926, MeSH D065886, MONDO:0700092.

Submissions (3):

Institute of Human Genetics, University of Leipzig Medical Center
Classification: Likely pathogenic for Intellectual developmental disorder, autosomal dominant 6, with or without seizures. Last evaluated: 2025-03-04. Review status: criteria provided, single submitter. Criteria: ACMG Guidelines, 2015. Collection method: clinical testing. Allele origin: de novo. Inheritance: Autosomal dominant inheritance. Affected: yes.
Comment: Criteria applied: PS2_MOD,PM2,PS4_SUP,PP2,PP3

Laboratory of Molecular Genetics (Pr. Bezieau's lab), CHU de Nantes
Classification: Likely pathogenic for Neurodevelopmental disorder. Last evaluated: 2022-08-30. Review status: criteria provided, single submitter. Criteria: ACMG Guidelines, 2015. Collection method: clinical testing. Allele origin: germline. Affected: yes.

Juno Genomics, Hangzhou Juno Genomics, Inc
Classification: Uncertain significance for Developmental and epileptic encephalopathy, 27; Intellectual developmental disorder, autosomal dominant 6, with or without seizures. Review status: criteria provided, single submitter. Criteria: ACMG Guidelines, 2015. Collection method: clinical testing. Allele origin: germline.
Comment: Absent from controls (or at extremely low frequency if recessive) in Genome Aggregation Database.;Missense variant in a gene that has a low rate of benign missense variation.;The prevalence of the variant in affected individuals is significantly increased compared to the prevalence in controls.;Assumed de novo, but without confirmation of paternity and maternity.;Patient's phenotype or family history is highly specific for a disease with a single genetic etiology.

NM_000834.5(GRIN2B):c.1079C>T (p.Pro360Leu)

Gene: GRIN2B (glutamate ionotropic receptor NMDA type subunit 2B; minus strand). Cytogenetic location: 12p13.1.
Variant type: single nucleotide variant.
Coding change: c.1079C>T on transcript NM_000834.5 (MANE Select); coding-DNA position 1079, C replaced by T.
Protein change: p.Pro360Leu; replaces proline 360 with leucine.
Molecular consequence: missense variant.
Genome position (GRCh38, 1-based): chr12:13,675,791, G>A on the plus strand (C>T on the coding strand, the complement: GRIN2B is on the minus strand). VCF-style: chr12-13675791-G-A. GRCh37 (hg19) VCF-style: chr12-13828725-G-A.
Other names: c.1079C>T, p.Pro360Leu (NM_001413992.1); short protein forms P360L.
Identifiers: ClinVar variation 2627859 (VCV002627859.4), dbSNP rs2497684685, ClinGen allele CA384050701.